The following is an entry in ClinVar:

NM_000548.5(TSC2):c.1058T>C (p.Leu353Pro)

Gene: TSC2 (TSC complex subunit 2; plus strand). Cytogenetic location: 16p13.3.
Variant type: single nucleotide variant.
Coding change: c.1058T>C on transcript NM_000548.5 (MANE Select); coding-DNA position 1058, T replaced by C.
Protein change: p.Leu353Pro; replaces leucine 353 with proline.
Molecular consequence: missense variant.
Genome position (GRCh38, 1-based): chr16:2,060,752, T>C. VCF-style: chr16-2060752-T-C. GRCh37 (hg19) VCF-style: chr16-2110753-T-C.
Other names: c.1058T>C, p.Leu353Pro (NM_001077183.3, NM_001114382.3, NM_001363528.2 and 3 more transcripts); c.947T>C, p.Leu316Pro (NM_001318827.2); c.911T>C, p.Leu304Pro (NM_001318829.2); c.458T>C, p.Leu153Pro (NM_001318831.2); c.1091T>C, p.Leu364Pro (NM_001318832.2); c.1058T>C (NM_000548.3); short protein forms L153P, L353P, L304P, L316P, L364P.
Identifiers: ClinVar variation 1420485 (VCV001420485.6), dbSNP rs2151137215, ClinGen allele CA394317887.

ClinVar aggregate classification (germline): Uncertain significance. Review status: criteria provided, multiple submitters, no conflicts (2 of 4 stars). 2 submissions from 2 submitters: Uncertain significance (2). Last evaluated 2025-01-30.

Conditions:
Tuberous sclerosis 2 (TSC2). Identifiers: Orphanet 805, MedGen C1860707, MONDO:0013199, OMIM 613254.
Hereditary cancer-predisposing syndrome. Also called: Hereditary neoplastic syndrome; Tumor predisposition; Hereditary Cancer Syndrome; Neoplastic Syndromes, Hereditary. Identifiers: Orphanet 140162, MedGen C0027672, MeSH D009386, MONDO:0015356.

Submissions (2):

Ambry Genetics
Classification: Uncertain significance for Hereditary cancer-predisposing syndrome. Last evaluated: 2025-01-30. Review status: criteria provided, single submitter. Criteria: Ambry Variant Classification Scheme 2023. Collection method: clinical testing. Allele origin: germline.
Comment: The p.L353P variant (also known as c.1058T>C), located in coding exon 10 of the TSC2 gene, results from a T to C substitution at nucleotide position 1058. The leucine at codon 353 is replaced by proline, an amino acid with similar properties. This variant was reported in individual(s) with features consistent with tuberous sclerosis complex (Sudarshan S et al. BMC Med Genet, 2019 Oct;20:164). This amino acid position is highly conserved in available vertebrate species. In addition, this alteration is predicted to be deleterious by in silico analysis. Based on the available evidence, the clinical significance of this variant remains unclear.

Labcorp Genetics (formerly Invitae), Labcorp
Classification: Uncertain significance for Tuberous sclerosis 2. Last evaluated: 2024-03-16. Review status: criteria provided, single submitter. Criteria: Invitae Variant Classification Sherloc (09022015). Collection method: clinical testing. Allele origin: germline.
Comment: This sequence change replaces leucine, which is neutral and non-polar, with proline, which is neutral and non-polar, at codon 353 of the TSC2 protein (p.Leu353Pro). This variant is not present in population databases (gnomAD no frequency). This missense change has been observed in individual(s) with clinical features of tuberous sclerosis complex (PMID: 31655562). ClinVar contains an entry for this variant (Variation ID: 1420485). Advanced modeling of protein sequence and biophysical properties (such as structural, functional, and spatial information, amino acid conservation, physicochemical variation, residue mobility, and thermodynamic stability) performed at Invitae indicates that this missense variant is not expected to disrupt TSC2 protein function with a negative predictive value of 95%. In summary, the available evidence is currently insufficient to determine the role of this variant in disease. Therefore, it has been classified as a Variant of Uncertain Significance.

Literature cited by the submitters: PubMed 31655562 (cited by Ambry Genetics and Labcorp Genetics (formerly Invitae), Labcorp).